The following is an entry in ClinVar:

ClinVar aggregate classification (germline): Uncertain significance. Review status: criteria provided, multiple submitters, no conflicts (2 of 4 stars). 2 submissions from 2 submitters: Uncertain significance (2). Last evaluated 2024-12-02.

Allele frequency attached by ClinVar (database versions not stated): ExAC 0.00003; gnomAD exomes 0.00003 and 0.00004; TOPMed 0.00003; gnomAD 0.00005.
gnomAD v4.1: 70 of 1,613,714 alleles (0.0043%); highest among the groups gnomAD compares: Admixed American, 0.0067%; no homozygotes.

Submissions (2):

Labcorp Genetics (formerly Invitae), Labcorp
Classification: Uncertain significance. Last evaluated: 2024-12-02. Review status: criteria provided, single submitter. Criteria: Invitae Variant Classification Sherloc (09022015). Collection method: clinical testing. Allele origin: germline.
Comment: This sequence change replaces valine, which is neutral and non-polar, with alanine, which is neutral and non-polar, at codon 64 of the MDH2 protein (p.Val64Ala). This variant is present in population databases (rs782339624, gnomAD 0.009%). This variant has not been reported in the literature in individuals affected with MDH2-related conditions. ClinVar contains an entry for this variant (Variation ID: 1319862). Invitae Evidence Modeling of protein sequence and biophysical properties (such as structural, functional, and spatial information, amino acid conservation, physicochemical variation, residue mobility, and thermodynamic stability) indicates that this missense variant is expected to disrupt MDH2 protein function with a positive predictive value of 80%. In summary, the available evidence is currently insufficient to determine the role of this variant in disease. Therefore, it has been classified as a Variant of Uncertain Significance.

Institute for Clinical Genetics, University Hospital TU Dresden, University Hospital TU Dresden
Classification: Uncertain significance. Last evaluated: 2021-11-03. Review status: criteria provided, single submitter. Criteria: ACMG Guidelines, 2015. Collection method: clinical testing. Allele origin: germline.

NM_005918.4(MDH2):c.191T>C (p.Val64Ala)

Gene: MDH2 (malate dehydrogenase 2; plus strand). Cytogenetic location: 7q11.23.
Variant type: single nucleotide variant.
Coding change: c.191T>C on transcript NM_005918.4 (MANE Select); coding-DNA position 191, T replaced by C.
Protein change: p.Val64Ala; replaces valine 64 with alanine.
Molecular consequence: missense variant. On other transcripts: intron variant (1).
Genome position (GRCh38, 1-based): chr7:76,054,954, T>C. VCF-style: chr7-76054954-T-C. GRCh37 (hg19) VCF-style: chr7-75684272-T-C.
Other names: c.191T>C, p.Val64Ala (NM_001282403.2); c.-86-2456T>C (NM_001282404.2); short protein forms V64A.
Identifiers: ClinVar variation 1319862 (VCV001319862.6), dbSNP rs782339624, ClinGen allele CA4305442.